The following is an entry in ClinVar:

ClinVar aggregate classification (germline): Uncertain significance. Review status: criteria provided, multiple submitters, no conflicts (2 of 4 stars). 2 submissions from 2 submitters: Uncertain significance (2). Last evaluated 2024-10-23.

Conditions:
Epilepsy, childhood absence, susceptibility to, 1. Also called: Epilepsy, childhood absence 1. Identifiers: Orphanet 64280, MedGen C1838604, MONDO:0020759, OMIM 600131.
Epilepsy, childhood absence, susceptibility to, 5. Identifiers: Orphanet 64280, MedGen C2677087, MONDO:0012843, OMIM 612269.

Submissions (2):

GeneDx
Classification: Uncertain significance. Last evaluated: 2024-10-23. Review status: criteria provided, single submitter. Criteria: GeneDx Variant Classification Process June 2021. Collection method: clinical testing. Allele origin: germline. Affected: yes.
Comment: Not observed at significant frequency in large population cohorts (gnomAD); In silico analysis supports a deleterious effect on splicing; Has not been previously published as pathogenic or benign to our knowledge

Labcorp Genetics (formerly Invitae), Labcorp
Classification: Uncertain significance for Epilepsy, childhood absence, susceptibility to, 5; Epilepsy, childhood absence, susceptibility to, 1. Last evaluated: 2024-01-04. Review status: criteria provided, single submitter. Criteria: Invitae Variant Classification Sherloc (09022015). Collection method: clinical testing. Allele origin: germline.
Comment: This sequence change falls in intron 8 of the GABRB3 gene. It does not directly change the encoded amino acid sequence of the GABRB3 protein. It affects a nucleotide within the consensus splice site. This variant is not present in population databases (gnomAD no frequency). This variant has not been reported in the literature in individuals affected with GABRB3-related conditions. ClinVar contains an entry for this variant (Variation ID: 1015271). Variants that disrupt the consensus splice site are a relatively common cause of aberrant splicing (PMID: 17576681, 9536098). Algorithms developed to predict the effect of sequence changes on RNA splicing suggest that this variant may disrupt the consensus splice site. In summary, the available evidence is currently insufficient to determine the role of this variant in disease. Therefore, it has been classified as a Variant of Uncertain Significance.

Literature cited by the submitters: PubMed 17576681 (cited by Labcorp Genetics (formerly Invitae), Labcorp); PubMed 9536098 (cited by Labcorp Genetics (formerly Invitae), Labcorp).

NM_000814.6(GABRB3):c.1080+3A>G

Gene: GABRB3 (gamma-aminobutyric acid type A receptor subunit beta3; minus strand). Cytogenetic location: 15q12.
Variant type: single nucleotide variant.
Coding change: c.1080+3A>G on transcript NM_000814.6 (MANE Select); 3 bases into the intron after coding-DNA position 1080, A replaced by G.
Molecular consequence: intron variant.
Genome position (GRCh38, 1-based): chr15:26,560,929, T>C on the plus strand (A>G on the coding strand, the complement: GABRB3 is on the minus strand). VCF-style: chr15-26560929-T-C. GRCh37 (hg19) VCF-style: chr15-26806076-T-C.
Other names: c.1080+3A>G (NM_021912.5); c.825+3A>G (NM_001278631.2, NM_001191320.2); c.867+3A>G (NM_001191321.3).
Identifiers: ClinVar variation 1015271 (VCV001015271.7), dbSNP rs1889957496, ClinGen allele CA2165746876.